The following is an entry in ClinVar:

ClinVar aggregate classification (germline): Conflicting classifications of pathogenicity. Review status: criteria provided, conflicting classifications (1 of 4 stars). 3 submissions from 3 submitters: Uncertain significance (1); Likely benign (2). Last evaluated 2025-12-07.

Conditions:
Inborn genetic diseases. Identifiers: MedGen C0950123, MeSH D030342.

Allele frequency attached by ClinVar (database versions not stated): gnomAD exomes 0.00007; ExAC 0.00022; gnomAD 0.00065; TOPMed 0.00084; 1000 Genomes Project 0.00100; ESP Exome Variant Server 0.00100; 1000 Genomes Project 30x 0.00125.
gnomAD v4.1: 203 of 1,614,170 alleles (0.013%); highest among the groups gnomAD compares: African/African-American, 0.25%; no homozygotes.

Submissions (3):

Labcorp Genetics (formerly Invitae), Labcorp
Classification: Likely benign. Last evaluated: 2025-12-07. Review status: criteria provided, single submitter. Criteria: Invitae Variant Classification Sherloc (09022015). Collection method: clinical testing. Allele origin: germline.

Women's Health and Genetics/Laboratory Corporation of America, LabCorp
Classification: Likely benign. Last evaluated: 2025-06-04. Review status: criteria provided, single submitter. Criteria: LabCorp Variant Classification Summary - May 2015. Collection method: clinical testing. Allele origin: germline.
Comment: Variant summary: NRIP1 c.1345A>G (p.Thr449Ala) results in a non-conservative amino acid change in the encoded protein sequence. Algorithms developed to predict the effect of missense changes on protein structure and function are either unavailable or do not agree on the potential impact of this missense change. The variant allele was found at a frequency of 0.0002 in 251262 control chromosomes, predominantly at a frequency of 0.0028 within the African or African-American subpopulation in the gnomAD database. The observed variant frequency within African or African-American control individuals in the gnomAD database exceeds the estimated maximal expected allele frequency for a pathogenic variant in NRIP1 causing Congenital Anomalies Of Kidney And Urinary Tract 3 phenotype. To our knowledge, no occurrence of c.1345A>G in individuals affected with Congenital Anomalies Of Kidney And Urinary Tract 3 and no experimental evidence demonstrating its impact on protein function have been reported. ClinVar contains an entry for this variant (Variation ID: 2064476). Based on the evidence outlined above, the variant was classified as likely benign.

Ambry Genetics
Classification: Uncertain significance for Inborn genetic diseases. Last evaluated: 2024-05-02. Review status: criteria provided, single submitter. Criteria: Ambry Variant Classification Scheme 2023. Collection method: clinical testing. Allele origin: germline.

NM_003489.4(NRIP1):c.1345A>G (p.Thr449Ala)

Gene: NRIP1 (nuclear receptor interacting protein 1; minus strand). Cytogenetic location: 21q11.2.
Variant type: single nucleotide variant.
Coding change: c.1345A>G on transcript NM_003489.4 (MANE Select); coding-DNA position 1345, A replaced by G.
Protein change: p.Thr449Ala; replaces threonine 449 with alanine.
Molecular consequence: missense variant.
Genome position (GRCh38, 1-based): chr21:14,966,848, T>C on the plus strand (A>G on the coding strand, the complement: NRIP1 is on the minus strand). VCF-style: chr21-14966848-T-C. GRCh37 (hg19) VCF-style: chr21-16339169-T-C.
Other names: c.1345A>G (NM_003489.3); short protein forms T449A.
Identifiers: ClinVar variation 2064476 (VCV002064476.6), dbSNP rs34937272, ClinGen allele CA9981353.
Genomic context (GRCh38, chr21:14,966,848, plus strand): 5'-TTAGCAAGGATTGAGTGAAGTTATCCAGGGAAACAGGTTGGTCAGATTCTGATTTTTCAG[T>C]TCGGTGTTTGCAAGACAAGTCTATGGGAACACAGTTGGAATAAGAACTTTCATCACCACT-3'
Protein context (NP_003480.2, residues 439-459): VPIDLSCKHR[Thr449Ala]EKSESDQPVS